The following is an entry in ClinVar:

ClinVar aggregate classification (germline): Uncertain significance (1 of 4 stars; one submission).

Conditions:
Tuberous sclerosis syndrome (TSC). Also called: Tuberous Sclerosis Complex; Tuberous sclerosis. Identifiers: Orphanet 805, MedGen C0041341, MONDO:0001734.

Submission:

All of Us Research Program, National Institutes of Health
Classification: Uncertain significance for Tuberous sclerosis syndrome. Last evaluated: 2023-11-20. Review status: criteria provided, single submitter. Criteria: ACMG Guidelines, 2015. Collection method: clinical testing. Allele origin: germline. Inheritance: Autosomal dominant inheritance. Observed: 1 variant allele, 1 heterozygote.
Comment: This missense variant replaces glycine with cysteine at codon 752 of the TSC2 protein. Computational prediction is inconclusive regarding the impact of this variant on protein structure and function (internally defined REVEL score threshold 0.5 < inconclusive < 0.7, PMID: 27666373). To our knowledge, functional studies have not been reported for this variant. This variant has not been reported in individuals affected with TSC2-related disorders in the literature. This variant has not been identified in the general population by the Genome Aggregation Database (gnomAD). The available evidence is insufficient to determine the role of this variant in disease conclusively. Therefore, this variant is classified as a Variant of Uncertain Significance.

This study involves interpretation of variants in research participants for the purpose of population health screening. Participant phenotype was not available at the time of variant classification. Additional details can be found in publication PMID: 35346344, PMCID: PMC8962531

NM_000548.5(TSC2):c.2254G>T (p.Gly752Cys)

Gene: TSC2 (TSC complex subunit 2; plus strand). Cytogenetic location: 16p13.3.
Variant type: single nucleotide variant.
Coding change: c.2254G>T on transcript NM_000548.5 (MANE Select); coding-DNA position 2254, G replaced by T.
Protein change: p.Gly752Cys; replaces glycine 752 with cysteine.
Molecular consequence: missense variant. On other transcripts: non-coding transcript variant (5).
Genome position (GRCh38, 1-based): chr16:2,072,882, G>T. VCF-style: chr16-2072882-G-T. GRCh37 (hg19) VCF-style: chr16-2122883-G-T.
Other names: c.2242G>T, p.Gly748Cys (NM_001406673.1, NM_001406671.1); c.2107G>T, p.Gly703Cys (NM_001406675.1, NM_001406676.1, NM_001406679.1 and 1 more transcripts); c.2197G>T, p.Gly733Cys (NM_001406677.1); c.2143G>T, p.Gly715Cys (NM_001406678.1, NM_001318827.2, NM_001406670.1); c.1792G>T, p.Gly598Cys (NM_001406681.1); c.1654G>T, p.Gly552Cys (NM_001406682.1, NM_001406680.1, NM_001318831.2 and 6 more transcripts); c.910G>T, p.Gly304Cys (NM_001406693.1, NM_001406694.1, NM_001406695.1 and 6 more transcripts); c.2254G>T, p.Gly752Cys (NM_001077183.3, NM_001114382.3, NM_001363528.2 and 6 more transcripts); and 3 more; short protein forms G218C, G304C, G552C, G598C, G703C, G715C, G733C, G748C.
Identifiers: ClinVar variation 3074469 (VCV003074469.1), dbSNP rs2151326864, ClinGen allele CA394276367.